The following is an entry in ClinVar:

NM_001369.3(DNAH5):c.527_528del (p.Leu176fs)

Gene: DNAH5 (dynein axonemal heavy chain 5; minus strand). Cytogenetic location: 5p15.2.
Variant type: Microsatellite.
Coding change: c.527_528del on transcript NM_001369.3 (MANE Select); coding-DNA positions 527 to 528, 2 bases deleted (TC; older notation c.527_528delTC).
Protein change: p.Leu176fs; shifts the reading frame from leucine 176.
Molecular consequence: frameshift variant.
Genome position (GRCh38, 1-based): chr5:13,922,239-13,922,240, GA deleted on the plus strand (TC on the coding strand, the reverse complement: DNAH5 is on the minus strand); deleting any 2 consecutive bases within chr5:13,922,239-13,922,243 gives the same sequence; the c. name uses the placement nearest the transcript's 3' end. VCF-style (leftmost placement, unchanged base first): chr5-13922238-TGA-T. GRCh37 (hg19) VCF-style: chr5-13922347-TGA-T.
Other names: short protein forms L176fs.
Identifiers: ClinVar variation 5015219 (VCV005015219.1).

ClinVar aggregate classification (germline): Pathogenic (1 of 4 stars; one submission).

Conditions:
Primary ciliary dyskinesia 3. Identifiers: Orphanet 244, MedGen C1837618, MONDO:0012085, OMIM 608644.

Submission:

Myriad Genetics, Inc.
Classification: Pathogenic for Primary ciliary dyskinesia 3. Last evaluated: 2025-11-14. Review status: criteria provided, single submitter. Criteria: Myriad Autosomal Dominant, Autosomal Recessive and X-Linked Classification Criteria (2023). Collection method: clinical testing. Allele origin: unknown.
Comment: NM_001369.2(DNAH5):c.527_528delTC(L176Qfs*18) is expected to be pathogenic in the context of primary ciliary dyskinesia, DNAH5-related. This variant is predicted to lead to an abnormal or absent protein product due to the creation of a premature termination codon in DNAH5, a gene where loss-of-function variants are known to be pathogenic. Please note: this variant was assessed in the context of healthy population screening.